The following is an entry in ClinVar:

ClinVar aggregate classification (germline): Uncertain significance. Review status: criteria provided, multiple submitters, no conflicts (2 of 4 stars). 3 submissions from 3 submitters: Uncertain significance (3). Last evaluated 2024-03-15.

Allele frequency attached by ClinVar (database versions not stated): gnomAD 0.00001; gnomAD exomes 0.00001; TOPMed 0.00002; ExAC 0.00005; ESP Exome Variant Server 0.00008.
gnomAD v4.1: 16 of 1,613,236 alleles (0.00099%); highest among the groups gnomAD compares: Admixed American, 0.0033%; no homozygotes.

Submissions (3):

Mayo Clinic Laboratories, Mayo Clinic
Classification: Uncertain significance. Last evaluated: 2024-03-15. Review status: criteria provided, single submitter. Criteria: ACMG Guidelines, 2015. Collection method: clinical testing. Allele origin: germline. Observed: 1 variant allele.
Comment: BP4, PM2

Labcorp Genetics (formerly Invitae), Labcorp
Classification: Uncertain significance. Last evaluated: 2022-07-22. Review status: criteria provided, single submitter. Criteria: Invitae Variant Classification Sherloc (09022015). Collection method: clinical testing. Allele origin: germline.
Comment: Algorithms developed to predict the effect of missense changes on protein structure and function are either unavailable or do not agree on the potential impact of this missense change (SIFT: "Not Available"; PolyPhen-2: "Probably Damaging"; Align-GVGD: "Not Available"). In summary, the available evidence is currently insufficient to determine the role of this variant in disease. Therefore, it has been classified as a Variant of Uncertain Significance. This variant has not been reported in the literature in individuals affected with VPS13D-related conditions. This variant is present in population databases (rs148283673, gnomAD 0.006%). This sequence change replaces aspartic acid, which is acidic and polar, with asparagine, which is neutral and polar, at codon 2562 of the VPS13D protein (p.Asp2562Asn).

GeneDx
Classification: Uncertain significance. Last evaluated: 2022-03-30. Review status: criteria provided, single submitter. Criteria: GeneDx Variant Classification Process June 2021. Collection method: clinical testing. Allele origin: germline. Affected: yes.
Comment: In silico analysis supports that this missense variant does not alter protein structure/function; Has not been previously published as pathogenic or benign to our knowledge

NM_015378.4(VPS13D):c.7684G>A (p.Asp2562Asn)

Gene: VPS13D (vacuolar protein sorting 13 homolog D; plus strand). Cytogenetic location: 1p36.22.
Variant type: single nucleotide variant.
Coding change: c.7684G>A on transcript NM_015378.4 (MANE Select); coding-DNA position 7684, G replaced by A.
Protein change: p.Asp2562Asn; replaces aspartic acid 2562 with asparagine.
Molecular consequence: missense variant.
Genome position (GRCh38, 1-based): chr1:12,321,944, G>A. VCF-style: chr1-12321944-G-A. GRCh37 (hg19) VCF-style: chr1-12382001-G-A.
Other names: p.Asp2562Asn; c.7684G>A, p.Asp2562Asn (NM_018156.4); short protein forms D2562N.
Identifiers: ClinVar variation 1707956 (VCV001707956.8), dbSNP rs148283673, ClinGen allele CA602898.